The following is an entry in ClinVar:

ClinVar aggregate classification (germline): Pathogenic. Review status: criteria provided, multiple submitters, no conflicts (2 of 4 stars). 2 submissions from 2 submitters: Pathogenic (2). Last evaluated 2020-08-10.

Conditions:
Hereditary nonpolyposis colorectal neoplasms. Identifiers: MedGen C0009405, MeSH D003123.
Hereditary cancer-predisposing syndrome. Also called: Tumor predisposition; Hereditary neoplastic syndrome; Neoplastic Syndromes, Hereditary; Hereditary Cancer Syndrome. Identifiers: Orphanet 140162, MedGen C0027672, MeSH D009386, MONDO:0015356.

Submissions (2):

Labcorp Genetics (formerly Invitae), Labcorp
Classification: Pathogenic for Hereditary nonpolyposis colorectal neoplasms. Last evaluated: 2020-08-10. Review status: criteria provided, single submitter. Criteria: Invitae Variant Classification Sherloc (09022015). Collection method: clinical testing. Allele origin: germline.
Comment: This variant is not present in population databases (ExAC no frequency). This sequence change creates a premature translational stop signal (p.Gly162Glufs*12) in the MSH6 gene. It is expected to result in an absent or disrupted protein product. This variant has not been reported in the literature in individuals with MSH6-related conditions. For these reasons, this variant has been classified as Pathogenic. Loss-of-function variants in MSH6 are known to be pathogenic (PMID: 18269114, 24362816).

Ambry Genetics
Classification: Pathogenic for Hereditary cancer-predisposing syndrome. Last evaluated: 2019-11-07. Review status: criteria provided, single submitter. Criteria: Ambry Variant Classification Scheme 2023. Collection method: clinical testing. Allele origin: germline.
Comment: The c.485delG pathogenic mutation, located in coding exon 3 of the MSH6 gene, results from a deletion of one nucleotide at nucleotide position 485, causing a translational frameshift with a predicted alternate stop codon (p.G162Efs*12). This alteration is expected to result in loss of function by premature protein truncation or nonsense-mediated mRNA decay. As such, this alteration is interpreted as a disease-causing mutation.

Literature cited by the submitters: PubMed 18269114 (cited by Labcorp Genetics (formerly Invitae), Labcorp); PubMed 24362816 (cited by Labcorp Genetics (formerly Invitae), Labcorp).

NM_000179.3(MSH6):c.485del (p.Gly162fs)

Gene: MSH6 (mutS homolog 6; plus strand). Cytogenetic location: 2p16.3.
Variant type: Deletion.
Coding change: c.485del on transcript NM_000179.3 (MANE Select); coding-DNA position 485, one base deleted (G; older notation c.485delG).
Protein change: p.Gly162fs; shifts the reading frame from glycine 162.
Molecular consequence: frameshift variant. On other transcripts: 5 prime UTR variant (1), intron variant (2).
Genome position (GRCh38, 1-based): chr2:47,795,921, G deleted; the last of 3 consecutive G bases (chr2:47,795,919-47,795,921); deleting any one gives the same sequence. VCF-style (leftmost placement, unchanged base first): chr2-47795918-AG-A. GRCh37 (hg19) VCF-style: chr2-48023057-AG-A.
Other names: c.-418del (NM_001281494.2); c.-279-2690del (NM_001281493.2); c.238-2690del (NM_001281492.2); short protein forms G162fs.
Identifiers: ClinVar variation 1070674 (VCV001070674.8), dbSNP rs2104229850, ClinGen allele CA2499216087.
Genomic context (GRCh38, chr2:47,795,918, plus strand): 5'-CCGGCCCTTATTGTTTATAAATACATTTCTTTCTAGGTTCAAAATCAAAGGAAGCCCAGA[AG>A]GGAGGTCATTTTTACAGTGCAAAGCCTGAAATACTGAGAGCAATGCAACGTGCAGATGAA-3'